The following is an entry in ClinVar:

NM_000038.6(APC):c.8203G>C (p.Gly2735Arg)

Gene: APC (APC regulator of Wnt signaling pathway; plus strand). Cytogenetic location: 5q22.2.
Variant type: single nucleotide variant.
Coding change: c.8203G>C on transcript NM_000038.6 (MANE Select); coding-DNA position 8203, G replaced by C.
Protein change: p.Gly2735Arg; replaces glycine 2735 with arginine.
Molecular consequence: missense variant.
Genome position (GRCh38, 1-based): chr5:112,843,797, G>C. VCF-style: chr5-112843797-G-C. GRCh37 (hg19) VCF-style: chr5-112179494-G-C.
Other names: c.8203G>C, p.Gly2735Arg (NM_001127510.3, NM_001354895.2); c.8149G>C, p.Gly2717Arg (NM_001127511.3); c.8257G>C, p.Gly2753Arg (NM_001354896.2); c.8233G>C, p.Gly2745Arg (NM_001354897.2); c.8128G>C, p.Gly2710Arg (NM_001354898.2); c.8119G>C, p.Gly2707Arg (NM_001354899.2); c.8080G>C, p.Gly2694Arg (NM_001354900.2); c.8026G>C, p.Gly2676Arg (NM_001354901.2); and 5 more; short protein forms G2717R, G2735R, G2575R, G2634R, G2644R, G2694R, G2707R, G2452R.
Identifiers: ClinVar variation 236653 (VCV000236653.15), dbSNP rs376392084, ClinGen allele CA10582342.

ClinVar aggregate classification (germline): Uncertain significance. Review status: criteria provided, multiple submitters, no conflicts (2 of 4 stars). 4 submissions from 4 submitters: Uncertain significance (4). Last evaluated 2025-05-17.

Conditions:
Hereditary cancer-predisposing syndrome. Also called: Hereditary neoplastic syndrome; Hereditary Cancer Syndrome; Neoplastic Syndromes, Hereditary; Tumor predisposition. Identifiers: Orphanet 140162, MedGen C0027672, MeSH D009386, MONDO:0015356.
Familial adenomatous polyposis 1 (FAP1). Also called: FAMILIAL ADENOMATOUS POLYPOSIS 1, ATTENUATED; POLYPOSIS, ADENOMATOUS INTESTINAL. Identifiers: MedGen C2713442, MONDO:0021056, OMIM 175100. Disease mechanism: loss of function.

Submissions (4):

Ambry Genetics
Classification: Uncertain significance for Hereditary cancer-predisposing syndrome. Last evaluated: 2025-05-17. Review status: criteria provided, single submitter. Criteria: Ambry Variant Classification Scheme 2023. Collection method: clinical testing. Allele origin: germline.
Comment: The p.G2735R variant (also known as c.8203G>C), located in coding exon 15 of the APC gene, results from a G to C substitution at nucleotide position 8203. The glycine at codon 2735 is replaced by arginine, an amino acid with dissimilar properties. This amino acid position is well conserved in available vertebrate species. In addition, in silico predictors for this gene do not accurately predict pathogenicity. Based on the available evidence, the clinical significance of this variant remains unclear.

Baylor Genetics
Classification: Uncertain significance for Familial adenomatous polyposis 1. Last evaluated: 2023-09-17. Review status: criteria provided, single submitter. Criteria: ACMG Guidelines, 2015. Collection method: clinical testing. Allele origin: unknown.

Labcorp Genetics (formerly Invitae), Labcorp
Classification: Uncertain significance for Familial adenomatous polyposis 1. Last evaluated: 2022-07-08. Review status: criteria provided, single submitter. Criteria: Invitae Variant Classification Sherloc (09022015). Collection method: clinical testing. Allele origin: germline.
Comment: ClinVar contains an entry for this variant (Variation ID: 236653). Algorithms developed to predict the effect of missense changes on protein structure and function are either unavailable or do not agree on the potential impact of this missense change (SIFT: "Tolerated"; PolyPhen-2: "Probably Damaging"; Align-GVGD: "Class C0"). In summary, the available evidence is currently insufficient to determine the role of this variant in disease. Therefore, it has been classified as a Variant of Uncertain Significance. This variant has not been reported in the literature in individuals affected with APC-related conditions. This sequence change replaces glycine, which is neutral and non-polar, with arginine, which is basic and polar, at codon 2735 of the APC protein (p.Gly2735Arg). This variant is not present in population databases (gnomAD no frequency).

Women's Health and Genetics/Laboratory Corporation of America, LabCorp
Classification: Uncertain significance. Last evaluated: 2021-04-16. Review status: criteria provided, single submitter. Criteria: LabCorp Variant Classification Summary - May 2015. Collection method: clinical testing. Allele origin: germline.
Comment: Variant summary: APC c.8203G>C (p.Gly2735Arg) results in a non-conservative amino acid change located in the Eb-1 binding domain (IPR009232) of the encoded protein sequence. Four of five in-silico tools predict a damaging effect of the variant on protein function. The variant was absent in 251340 control chromosomes. The available data on variant occurrences in the general population are insufficient to allow any conclusion about variant significance. To our knowledge, no occurrence of c.8203G>C in individuals affected with Familial Adenomatous Polyposis and no experimental evidence demonstrating its impact on protein function have been reported. One clinical diagnostic laboratory has submitted clinical-significance assessments for this variant to ClinVar after 2014 without evidence for independent evaluation and classified the variant as uncertain significance. Based on the evidence outlined above, the variant was classified as uncertain significance.